The following is an entry in ClinVar:

ClinVar aggregate classification (germline): Uncertain significance. Review status: criteria provided, multiple submitters, no conflicts (2 of 4 stars). 2 submissions from 2 submitters: Uncertain significance (2). Last evaluated 2026-01-15.

Allele frequency attached by ClinVar (database versions not stated): gnomAD exomes below 0.00001; TOPMed below 0.00001.
gnomAD v4.1: 2 of 1,612,874 alleles (0.00012%); highest among the groups gnomAD compares: African/African-American, 0.0027%; no homozygotes.

Submissions (2):

Labcorp Genetics (formerly Invitae), Labcorp
Classification: Uncertain significance. Last evaluated: 2026-01-15. Review status: criteria provided, single submitter. Criteria: Invitae Variant Classification Sherloc (09022015). Collection method: clinical testing. Allele origin: germline.
Comment: This sequence change replaces serine, which is neutral and polar, with arginine, which is basic and polar, at codon 301 of the TANC2 protein (p.Ser301Arg). This variant is not present in population databases (gnomAD no frequency). This variant has not been reported in the literature in individuals affected with TANC2-related conditions. ClinVar contains an entry for this variant (Variation ID: 2421671). An algorithm developed to predict the effect of missense changes on protein structure and function (PolyPhen-2) suggests that this variant is likely to be tolerated. In summary, the available evidence is currently insufficient to determine the role of this variant in disease. Therefore, it has been classified as a Variant of Uncertain Significance.

GeneDx
Classification: Uncertain significance. Last evaluated: 2024-02-13. Review status: criteria provided, single submitter. Criteria: GeneDx Variant Classification Process June 2021. Collection method: clinical testing. Allele origin: germline. Affected: yes.
Comment: Not observed at significant frequency in large population cohorts (gnomAD); In silico analysis supports that this missense variant does not alter protein structure/function; Has not been previously published as pathogenic or benign to our knowledge

NM_001394998.1(TANC2):c.1125C>G (p.Ser375Arg)

Gene: TANC2 (tetratricopeptide repeat, ankyrin repeat and coiled-coil containing 2; plus strand). Cytogenetic location: 17q23.3.
Variant type: single nucleotide variant.
Coding change: c.1125C>G on transcript NM_001394998.1 (MANE Select); coding-DNA position 1125, C replaced by G.
Protein change: p.Ser375Arg; replaces serine 375 with arginine.
Molecular consequence: missense variant.
Genome position (GRCh38, 1-based): chr17:63,267,839, C>G. VCF-style: chr17-63267839-C-G. GRCh37 (hg19) VCF-style: chr17-61345200-C-G.
Other names: c.903C>G, p.Ser301Arg (NM_001411076.1, NM_025185.4); c.903C>G (NM_025185.3); short protein forms S301R, S375R.
Identifiers: ClinVar variation 2421671 (VCV002421671.7), dbSNP rs2043576950, ClinGen allele CA400794051.
Genomic context (GRCh38, chr17:63,267,839, plus strand): 5'-TTACCTGGATGAGCAGAGACATACACCTTTGAGAACTTCTCTACGAATGCCAAGACAGAG[C>G]ATGGGTGGTGCTCGCACACAGCAGGATTTAAGAGGTTAGAACCACAGAAGGGCTTTAAGG-3'
Protein context (NP_001381927.1, residues 365-385): LRTSLRMPRQ[Ser375Arg]MGGARTQQDL